The following is an entry in ClinVar:

ClinVar aggregate classification (germline): Likely benign (1 of 4 stars; one submission).

gnomAD v4.1: 6 of 1,613,768 alleles (0.00037%); highest among the groups gnomAD compares: African/African-American, 0.0027%; no homozygotes.

Submission:

CeGaT Center for Human Genetics Tuebingen
Classification: Likely benign. Last evaluated: 2026-07-01. Review status: criteria provided, single submitter. Criteria: CeGaT Center For Human Genetics Tuebingen Variant Classification Criteria Version 2. Collection method: clinical testing. Allele origin: germline. Affected: yes. Observed: 1 variant allele.
Comment: CHD5: BP4, BP7

NM_015557.3(CHD5):c.609C>T (p.Gly203=)

Gene: CHD5 (chromodomain helicase DNA binding protein 5; minus strand). Cytogenetic location: 1p36.31.
Variant type: single nucleotide variant.
Coding change: c.609C>T on transcript NM_015557.3 (MANE Select); coding-DNA position 609, C replaced by T.
Protein change: p.Gly203=; no amino-acid change (glycine 203 retained).
Molecular consequence: synonymous variant.
Genome position (GRCh38, 1-based): chr1:6,154,796, G>A on the plus strand (C>T on the coding strand, the complement: CHD5 is on the minus strand). VCF-style: chr1-6154796-G-A. GRCh37 (hg19) VCF-style: chr1-6214856-G-A.
Identifiers: ClinVar variation 5038697 (VCV005038697.1).